The following is an entry in ClinVar:

ClinVar aggregate classification (germline): Benign. Review status: criteria provided, multiple submitters, no conflicts (2 of 4 stars). 6 submissions from 6 submitters: Benign (6). Last evaluated 2026-02-03.

Conditions:
Microcephaly-intellectual disability-sensorineural hearing loss-epilepsy-abnormal muscle tone syndrome (NEDHSB). Also called: NEURODEVELOPMENTAL DISORDER WITH HEARING LOSS, SEIZURES, AND BRAIN ABNORMALITIES. Identifiers: Orphanet 457351, MedGen C4225276, MONDO:0014698, OMIM 616577.

Allele frequency attached by ClinVar (database versions not stated): ESP Exome Variant Server 0.00423; gnomAD 0.00609 and 0.00629; TOPMed 0.00700; 1000 Genomes Project 0.00719; 1000 Genomes Project 30x 0.00796; ExAC 0.01021.
gnomAD v4.1: 12,409 of 1,614,010 alleles (0.77%); highest among the groups gnomAD compares: Admixed American, 3.6%; 100 homozygotes.

Submissions (6):

Labcorp Genetics (formerly Invitae), Labcorp
Classification: Benign for Microcephaly-intellectual disability-sensorineural hearing loss-epilepsy-abnormal muscle tone syndrome. Last evaluated: 2026-02-03. Review status: criteria provided, single submitter. Criteria: Invitae Variant Classification Sherloc (09022015). Collection method: clinical testing. Allele origin: germline.

Mayo Clinic Laboratories, Mayo Clinic
Classification: Benign. Last evaluated: 2025-06-10. Review status: criteria provided, single submitter. Criteria: ACMG Guidelines, 2015. Collection method: clinical testing. Allele origin: germline. Observed: 6 variant alleles.
Comment: BA1, BS2

Genetic Services Laboratory, University of Chicago
Classification: Benign. Last evaluated: 2019-10-03. Review status: criteria provided, single submitter. Criteria: ACMG Guidelines, 2015. Collection method: clinical testing. Allele origin: germline. Affected: no.

GeneDx
Classification: Benign. Last evaluated: 2019-07-29. Review status: criteria provided, single submitter. Criteria: GeneDx Variant Classification Process June 2021. Collection method: clinical testing. Allele origin: germline. Affected: yes.

Athena Diagnostics
Classification: Benign. Last evaluated: 2018-01-26. Review status: criteria provided, single submitter. Criteria: Athena Diagnostics Criteria. Collection method: clinical testing. Allele origin: germline.

Center for Pediatric Genomic Medicine, Children's Mercy Hospital and Clinics
Classification: Benign. Last evaluated: 2017-05-19. Review status: criteria provided, single submitter. Criteria: ACMG Guidelines, 2015. Collection method: clinical testing. Allele origin: germline.

NM_145207.3(AFG2A):c.2485G>T (p.Asp829Tyr)

Gene: AFG2A (AAA ATPase AFG2A; plus strand). Cytogenetic location: 4q28.1.
Variant type: single nucleotide variant.
Coding change: c.2485G>T on transcript NM_145207.3 (MANE Select); coding-DNA position 2485, G replaced by T.
Protein change: p.Asp829Tyr; replaces aspartic acid 829 with tyrosine.
Molecular consequence: missense variant.
Genome position (GRCh38, 1-based): chr4:123,256,160, G>T. VCF-style: chr4-123256160-G-T. GRCh37 (hg19) VCF-style: chr4-124177315-G-T.
Other names: p.Asp829Tyr; c.2482G>T, p.Asp828Tyr (NM_001345856.2); short protein forms D829Y, D828Y.
Identifiers: ClinVar variation 436841 (VCV000436841.19), dbSNP rs35206443, ClinGen allele CA3070742.